The following is an entry in ClinVar:

NM_001004334.4(GPR179):c.3433A>T (p.Ile1145Phe)

Gene: GPR179 (G protein-coupled receptor 179; minus strand). Cytogenetic location: 17q12.
Variant type: single nucleotide variant.
Coding change: c.3433A>T on transcript NM_001004334.4 (MANE Select); coding-DNA position 3433, A replaced by T.
Protein change: p.Ile1145Phe; replaces isoleucine 1145 with phenylalanine.
Molecular consequence: missense variant.
Genome position (GRCh38, 1-based): chr17:38,330,136, T>A on the plus strand (A>T on the coding strand, the complement: GPR179 is on the minus strand). VCF-style: chr17-38330136-T-A. GRCh37 (hg19) VCF-style: chr17-36486019-T-A.
Other names: short protein forms I1145F.
Identifiers: ClinVar variation 1416898 (VCV001416898.6), dbSNP rs2037338552, ClinGen allele CA398879829.
Genomic context (GRCh38, chr17:38,330,136, plus strand): 5'-GCATCCTGCTGGTGTGAGCGTTCTGTTGGTTCTGGAGGGACTCCTTGTCATCGGAGGGGA[T>A]AAGAGCGGCCTGCTTACTCACCGCCTTGGGCCGGCCTAGCCTGGGCGATCGGGAGGGTGC-3'
Protein context (NP_001004334.3, residues 1135-1155): PKAVSKQAAL[Ile1145Phe]PSDDKESLQN

ClinVar aggregate classification (germline): Uncertain significance (1 of 4 stars; one submission).

Allele frequency attached by ClinVar (database versions not stated): gnomAD 0.00001; gnomAD exomes 0.00001; TOPMed 0.00002.
gnomAD v4.1: 19 of 1,600,890 alleles (0.0012%); highest among the groups gnomAD compares: Non-Finnish European, 0.0016%; no homozygotes.

Submission:

Labcorp Genetics (formerly Invitae), Labcorp
Classification: Uncertain significance. Last evaluated: 2021-09-18. Review status: criteria provided, single submitter. Criteria: Invitae Variant Classification Sherloc (09022015). Collection method: clinical testing. Allele origin: germline.
Comment: In summary, the available evidence is currently insufficient to determine the role of this variant in disease. Therefore, it has been classified as a Variant of Uncertain Significance. Algorithms developed to predict the effect of missense changes on protein structure and function (SIFT, PolyPhen-2, Align-GVGD) all suggest that this variant is likely to be tolerated. This variant has not been reported in the literature in individuals affected with GPR179-related conditions. This variant is not present in population databases (ExAC no frequency). This sequence change replaces isoleucine with phenylalanine at codon 1145 of the GPR179 protein (p.Ile1145Phe). The isoleucine residue is weakly conserved and there is a small physicochemical difference between isoleucine and phenylalanine.